The following is an entry in ClinVar:

ClinVar aggregate classification (germline): Conflicting classifications of pathogenicity. Review status: criteria provided, conflicting classifications (1 of 4 stars). 6 submissions from 6 submitters: Uncertain significance (3); Likely benign (3). Last evaluated 2026-01-19.

Conditions:
Inborn genetic diseases. Identifiers: MedGen C0950123, MeSH D030342.
DNAJC21-related disorder. Also called: DNAJC21-related condition.
Bone marrow failure syndrome 3 (BMFS3). Identifiers: MedGen C4310744, MONDO:0014887, OMIM 617052.

Allele frequency attached by ClinVar (database versions not stated): ESP Exome Variant Server 0.00023; ExAC 0.00026; gnomAD exomes 0.00044 and 0.00079; gnomAD 0.00058 and 0.00059; TOPMed 0.00079.
gnomAD v4.1: 1,256 of 1,614,102 alleles (0.078%); highest among the groups gnomAD compares: Admixed American, 0.14%; 1 homozygote.

Submissions (6):

Labcorp Genetics (formerly Invitae), Labcorp
Classification: Uncertain significance. Last evaluated: 2026-01-19. Review status: criteria provided, single submitter. Criteria: Invitae Variant Classification Sherloc (09022015). Collection method: clinical testing. Allele origin: germline.
Comment: This sequence change replaces aspartic acid, which is acidic and polar, with asparagine, which is neutral and polar, at codon 320 of the DNAJC21 protein (p.Asp320Asn). This variant is present in population databases (rs148374246, gnomAD 0.1%). This variant has not been reported in the literature in individuals affected with DNAJC21-related conditions. ClinVar contains an entry for this variant (Variation ID: 1031725). An algorithm developed to predict the effect of missense changes on protein structure and function (PolyPhen-2) suggests that this variant is likely to be disruptive. In summary, the available evidence is currently insufficient to determine the role of this variant in disease. Therefore, it has been classified as a Variant of Uncertain Significance.

Mayo Clinic Laboratories, Mayo Clinic
Classification: Likely benign. Last evaluated: 2025-04-10. Review status: criteria provided, single submitter. Criteria: ACMG Guidelines, 2015. Collection method: clinical testing. Allele origin: germline. Observed: 1 variant allele.
Comment: BS1, BP4_moderate

PreventionGenetics, part of Exact Sciences
Classification: Likely benign for DNAJC21-related condition. Last evaluated: 2024-11-14. Review status: criteria provided, single submitter. Criteria: ACMG Guidelines, 2015. Collection method: clinical testing. Allele origin: germline.
Comment: This variant is classified as likely benign based on ACMG/AMP sequence variant interpretation guidelines (Richards et al. 2015 PMID: 25741868, with internal and published modifications).

Blueprint Genetics
Classification: Likely benign. Last evaluated: 2024-09-20. Review status: criteria provided, single submitter. Criteria: ACMG Guidelines, 2015. Collection method: clinical testing. Allele origin: germline.

Ambry Genetics
Classification: Uncertain significance for Inborn genetic diseases. Last evaluated: 2021-06-22. Review status: criteria provided, single submitter. Criteria: Ambry Variant Classification Scheme 2023. Collection method: clinical testing. Allele origin: germline.

Baylor Genetics
Classification: Uncertain significance for Bone marrow failure syndrome 3. Last evaluated: 2018-04-17. Review status: criteria provided, single submitter. Criteria: ACMG Guidelines, 2015. Collection method: clinical testing. Allele origin: paternal. Affected: yes.
Comment: This variant was determined to be of uncertain significance according to ACMG Guidelines, 2015 [PMID:25741868].

NM_001012339.3(DNAJC21):c.958G>A (p.Asp320Asn)

Gene: DNAJC21 (DnaJ heat shock protein family (Hsp40) member C21; plus strand). Cytogenetic location: 5p13.2.
Variant type: single nucleotide variant.
Coding change: c.958G>A on transcript NM_001012339.3 (MANE Select); coding-DNA position 958, G replaced by A.
Protein change: p.Asp320Asn; replaces aspartic acid 320 with asparagine.
Molecular consequence: missense variant.
Genome position (GRCh38, 1-based): chr5:34,941,158, G>A. VCF-style: chr5-34941158-G-A. GRCh37 (hg19) VCF-style: chr5-34941263-G-A.
Other names: p.Asp320Asn; c.958G>A, p.Asp320Asn (NM_001348420.2, NM_194283.4); c.958G>A (NM_194283.3); short protein forms D320N.
Identifiers: ClinVar variation 1031725 (VCV001031725.9), dbSNP rs148374246, ClinGen allele CA3228640.